The following is an entry in ClinVar:

NM_003200.5(TCF3):c.526G>T (p.Val176Phe)

Gene: TCF3 (transcription factor 3; minus strand). Cytogenetic location: 19p13.3.
Variant type: single nucleotide variant.
Coding change: c.526G>T on transcript NM_003200.5 (MANE Select); coding-DNA position 526, G replaced by T.
Protein change: p.Val176Phe; replaces valine 176 with phenylalanine.
Molecular consequence: missense variant.
Genome position (GRCh38, 1-based): chr19:1,623,974, C>A on the plus strand (G>T on the coding strand, the complement: TCF3 is on the minus strand). VCF-style: chr19-1623974-C-A. GRCh37 (hg19) VCF-style: chr19-1623973-C-A.
Other names: c.526G>T, p.Val176Phe (NM_001136139.4, NM_001351778.2, NM_001351779.2); short protein forms V176F.
Identifiers: ClinVar variation 3680509 (VCV003680509.2).

ClinVar aggregate classification (germline): Uncertain significance (1 of 4 stars; one submission).

gnomAD v4.1: 3 of 1,613,308 alleles (0.00019%); highest among the groups gnomAD compares: Non-Finnish European, 0.00025%; no homozygotes.

Submission:

Labcorp Genetics (formerly Invitae), Labcorp
Classification: Uncertain significance. Last evaluated: 2024-10-16. Review status: criteria provided, single submitter. Criteria: Invitae Variant Classification Sherloc (09022015). Collection method: clinical testing. Allele origin: germline.
Comment: This sequence change replaces valine, which is neutral and non-polar, with phenylalanine, which is neutral and non-polar, at codon 176 of the TCF3 protein (p.Val176Phe). This variant is not present in population databases (gnomAD no frequency). This variant has not been reported in the literature in individuals affected with TCF3-related conditions. Invitae Evidence Modeling of protein sequence and biophysical properties (such as structural, functional, and spatial information, amino acid conservation, physicochemical variation, residue mobility, and thermodynamic stability) has been performed for this missense variant. However, the output from this modeling did not meet the statistical confidence thresholds required to predict the impact of this variant on TCF3 protein function. In summary, the available evidence is currently insufficient to determine the role of this variant in disease. Therefore, it has been classified as a Variant of Uncertain Significance.